The following is an entry in ClinVar:

NM_004370.6(COL12A1):c.136G>A (p.Ala46Thr)

Gene: COL12A1 (collagen type XII alpha 1 chain; minus strand). Cytogenetic location: 6q13.
Variant type: single nucleotide variant.
Coding change: c.136G>A on transcript NM_004370.6 (MANE Select); coding-DNA position 136, G replaced by A.
Protein change: p.Ala46Thr; replaces alanine 46 with threonine.
Molecular consequence: missense variant. On other transcripts: intron variant (2).
Genome position (GRCh38, 1-based): chr6:75,194,885, C>T on the plus strand (G>A on the coding strand, the complement: COL12A1 is on the minus strand). VCF-style: chr6-75194885-C-T. GRCh37 (hg19) VCF-style: chr6-75904601-C-T.
Other names: c.73+7835G>A (NM_001424116.1, NM_080645.3); c.136G>A, p.Ala46Thr (NM_001424113.1, NM_001424114.1, NM_001424115.1); short protein forms A46T.
Identifiers: ClinVar variation 2926206 (VCV002926206.3), dbSNP rs1392151559, ClinGen allele CA364732024.

ClinVar aggregate classification (germline): Uncertain significance (1 of 4 stars; one submission).

Conditions:
Ullrich congenital muscular dystrophy 2 (UCMD2). Identifiers: Orphanet 75840, MedGen C4225314, MONDO:0014654, OMIM 616470.
Bethlem myopathy 2 (BTHLM2). Identifiers: Orphanet 536516, Orphanet 610, MedGen C4225313, MONDO:0034022, OMIM 616471.

Submission:

Labcorp Genetics (formerly Invitae), Labcorp
Classification: Uncertain significance for Bethlem myopathy 2; Ullrich congenital muscular dystrophy 2. Last evaluated: 2023-11-25. Review status: criteria provided, single submitter. Criteria: Invitae Variant Classification Sherloc (09022015). Collection method: clinical testing. Allele origin: germline.
Comment: This sequence change replaces alanine, which is neutral and non-polar, with threonine, which is neutral and polar, at codon 46 of the COL12A1 protein (p.Ala46Thr). This variant is present in population databases (no rsID available, gnomAD 0.0009%). This variant has not been reported in the literature in individuals affected with COL12A1-related conditions. Advanced modeling of protein sequence and biophysical properties (such as structural, functional, and spatial information, amino acid conservation, physicochemical variation, residue mobility, and thermodynamic stability) performed at Invitae indicates that this missense variant is not expected to disrupt COL12A1 protein function with a negative predictive value of 80%. In summary, the available evidence is currently insufficient to determine the role of this variant in disease. Therefore, it has been classified as a Variant of Uncertain Significance.